The following is an entry in ClinVar:

NM_000070.3(CAPN3):c.701G>A (p.Gly234Glu)

Gene: CAPN3 (calpain 3; plus strand). Cytogenetic location: 15q15.1.
Variant type: single nucleotide variant.
Coding change: c.701G>A on transcript NM_000070.3 (MANE Select); coding-DNA position 701, G replaced by A.
Protein change: p.Gly234Glu; replaces glycine 234 with glutamic acid.
Molecular consequence: missense variant.
Genome position (GRCh38, 1-based): chr15:42,388,996, G>A. VCF-style: chr15-42388996-G-A. GRCh37 (hg19) VCF-style: chr15-42681194-G-A.
Other names: NM_000070.3(CAPN3):c.701G>A; c.701G>A, p.Gly234Glu (NM_024344.2, NM_173087.2); short protein forms G234E.
Identifiers: ClinVar variation 501754 (VCV000501754.18), dbSNP rs1555420634, ClinGen allele CA16609628.

ClinVar aggregate classification (germline): Pathogenic. Review status: reviewed by expert panel (3 of 4 stars). 9 submissions from 9 submitters: Pathogenic (1). 8 of the submissions do not count toward it. Last evaluated 2025-01-09.

Conditions:
Autosomal recessive limb-girdle muscular dystrophy. Identifiers: Orphanet 102015, MedGen C2931907, MONDO:0015152.
Autosomal recessive limb-girdle muscular dystrophy type 2A (LGMDR1). Also called: LEYDEN-MOEBIUS MUSCULAR DYSTROPHY; Limb-girdle muscular dystrophy, type 2A; MUSCULAR DYSTROPHY, PELVOFEMORAL; Calpainopathy; Muscular dystrophy, limb-girdle, type 2A, Amish. Identifiers: Orphanet 267, MedGen C1869123, MONDO:0009675, OMIM 253600. Disease mechanism: loss of function.

Allele frequency attached by ClinVar (database versions not stated): gnomAD exomes below 0.00001.
gnomAD v4.1: 5 of 1,614,112 alleles (0.00031%); highest among the groups gnomAD compares: East Asian, 0.0045%; no homozygotes.

Submissions (9):

ClinGen Limb Girdle Muscular Dystrophy Variant Curation Expert Panel, ClinGen
Classification: Pathogenic for Autosomal recessive limb-girdle muscular dystrophy. Last evaluated: 2025-01-09. Review status: reviewed by expert panel. Criteria: ClinGen LGMD VCEP ACMG Specifications CAPN3 V1.0.0. Collection method: curation. Allele origin: germline. Inheritance: Autosomal recessive inheritance.
Comment: The NM_000070.3: c.701G>A variant in CAPN3 is a missense variant predicted to cause substitution of glycine by glutamic acid at amino acid 234 (p.Gly234Glu). This variant has been detected in at least 8 individuals with limb girdle muscular dystrophy, including in a homozygous state in two patients (1.0 pt, PMID: 27500519, 17994539) and in trans with a likely pathogenic or pathogenic variant in at least one patient (c.1319G>A p.(Arg440Gln), 1.0 pt, PMID: 17994539) (PM3_Strong). At least one patient with this variant displayed a clinical suspicion of limb girdle muscular dystrophy and absent expression of calpain-3, which is highly specific for CAPN3-related LGMD (PP4_Strong; PMID: 17994539). This variant is absent from gnomAD v2.1.1 and v3.1.2 (PM2_Supporting). The computational predictor REVEL gives a score of 0.86, which exceeds the VCEP threshold of ≥0.70, evidence that correlates with impact to CAPN3 function (PP3). In summary, this variant meets the criteria to be classified as Pathogenic for autosomal recessive limb girdle muscular dystrophy based on the ACMG/AMP criteria applied, as specified by the ClinGen LGMD VCEP (LGMD VCEP specifications version 1.0.0; 01/09/2025): PM3_Strong, PP4_Strong, PM2_Supporting, PP3.

Myriad Genetics, Inc.
Classification: Pathogenic for Autosomal recessive limb-girdle muscular dystrophy type 2A. Last evaluated: 2026-08-21. Review status: criteria provided, single submitter. Criteria: Myriad Autosomal Dominant, Autosomal Recessive and X-Linked Classification Criteria (2023). Collection method: clinical testing. Allele origin: unknown. Not counted in ClinVar's aggregate classification.
Comment: NM_000070.2(CAPN3):c.701G>A(G234E) is a missense variant classified as pathogenic in the context of calpainopathy. G234E has been observed in cases with relevant disease (PMID: 7720071, 27500519, 17994539, 16141003, 15689361, 30564623, 36575883, 16478798). Relevant functional assessments of this variant are available in the literature (PMID: 9642272). G234E has not been observed in referenced population frequency databases. In summary, NM_000070.2(CAPN3):c.701G>A(G234E) is a missense variant that has been observed more frequently in cases with the relevant disease than in healthy populations. Please note: this variant was assessed in the context of healthy population screening.

Labcorp Genetics (formerly Invitae), Labcorp
Classification: Pathogenic for Autosomal recessive limb-girdle muscular dystrophy type 2A. Last evaluated: 2025-10-11. Review status: criteria provided, single submitter. Criteria: Invitae Variant Classification Sherloc (09022015). Collection method: clinical testing. Allele origin: germline. Not counted in ClinVar's aggregate classification.
Comment: This sequence change replaces glycine, which is neutral and non-polar, with glutamic acid, which is acidic and polar, at codon 234 of the CAPN3 protein (p.Gly234Glu). This variant is not present in population databases (gnomAD no frequency). This missense change has been observed in individuals with clinical features of autosomal recessive limb-girdle muscular dystrophy (PMID: 7720071, 15689361, 16141003, 17994539, 27500519). ClinVar contains an entry for this variant (Variation ID: 501754). Invitae Evidence Modeling of protein sequence and biophysical properties (such as structural, functional, and spatial information, amino acid conservation, physicochemical variation, residue mobility, and thermodynamic stability) indicates that this missense variant is expected to disrupt CAPN3 protein function with a positive predictive value of 80%. Experimental studies have shown that this missense change affects CAPN3 function (PMID: 9642272). For these reasons, this variant has been classified as Pathogenic.

Natera, Inc.
Classification: Pathogenic for Limb-girdle muscular dystrophy type 2A. Last evaluated: 2024-12-18. Review status: criteria provided, single submitter. Criteria: Natera Variant Classification Schema (03/2026). Collection method: clinical testing. Allele origin: germline. Not counted in ClinVar's aggregate classification.
Comment: The c.701G>A variant in CAPN3 is a missense variant predicted to cause substitution of glycine to glutamic acid at amino acid 234. This variant is rare in the general population with a frequency below the threshold expected for the associated phenotype(s). This variant has been observed in one or more individuals affected with the associated recessive disease, as either homozygous or compound heterozygous with a second variant (PMID: 31069529, 17994539, 27500519). Computational prediction algorithms indicate this variant is likely to affect gene or protein function. Given the available evidence, this variant is classified as Pathogenic.

Institute of Immunology and Genetics Kaiserslautern
Classification: Pathogenic for Autosomal recessive limb-girdle muscular dystrophy type 2A. Last evaluated: 2023-10-02. Review status: criteria provided, single submitter. Criteria: ACMG Guidelines, 2015. Collection method: clinical testing. Allele origin: germline. Affected: no. Not counted in ClinVar's aggregate classification.
Comment: ACMG Criteria: PM1, PM2, PM5, PP3, PP5, PS3; Variant found in a heterzygous state

Institute for Clinical Genetics, University Hospital TU Dresden, University Hospital TU Dresden
Classification: Likely pathogenic. Last evaluated: 2022-02-23. Review status: criteria provided, single submitter. Criteria: ACMG Guidelines, 2015. Collection method: clinical testing. Allele origin: germline. Not counted in ClinVar's aggregate classification.
Comment: PP3, PM2_SUP, PS3, PM3

Broad Center for Mendelian Genomics, Broad Institute of MIT and Harvard
Classification: Likely pathogenic for Autosomal recessive limb-girdle muscular dystrophy type 2A. Last evaluated: 2018-12-03. Review status: criteria provided, single submitter. Criteria: ACMG Guidelines, 2015. Collection method: research. Allele origin: germline. Inheritance: Autosomal recessive inheritance. Affected: yes. Not counted in ClinVar's aggregate classification.
Comment: This variant was absent from large population studies. Computational prediction tools and conservation analyses suggest that this variant may impact the protein, though this information is not predictive enough to determine pathogenicity. In vitro functional studies with a yeast two-hybrid model provide some evidence that the p.Gly234Glu variant may impact protein function by impairing protein binding with substrates (PMID: 9642272). However, these types of assays may not accurately represent biological function. The p.Gly234Glu variant in CAPN3 has been reported in 5 individuals with Limb-Girdle Muscular Dystrophy. The presence of this variant in combination with 4 variants (including a frameshift variant) reported pathogenic by the literature and in 4 of these individuals with LGMD increases the likelihood that the p.Gly234Glu variant is pathogenic (PMID: 16141003, 17994539, 27500519). This variant has also been reported pathogenic in ClinVar (Variation ID: 501754). In summary, although additional studies are required to fully establish its clinical significance, this variant is likely pathogenic. ACMG/AMP Criteria applied: PM2, PP3, PS3_Moderate, PM3_Strong (Richards 2015).

Eurofins Ntd Llc (ga)
Classification: Pathogenic. Last evaluated: 2017-05-11. Review status: criteria provided, single submitter. Criteria: EGL Classification Definitions 2015. Collection method: clinical testing. Allele origin: germline. Observed: 2 variant alleles, 2 heterozygotes. Not counted in ClinVar's aggregate classification.

Counsyl
Classification: Likely pathogenic for Autosomal recessive limb-girdle muscular dystrophy type 2A. Last evaluated: 2017-09-24. Review status: no assertion criteria provided. Collection method: clinical testing. Allele origin: unknown. Not counted in ClinVar's aggregate classification.

Literature cited by the submitters: PubMed 15689361 (cited by Myriad Genetics, Inc. and Labcorp Genetics (formerly Invitae), Labcorp); PubMed 16141003 (cited by 4 submitters); PubMed 16478798 (cited by Myriad Genetics, Inc.); PubMed 17994539 (cited by 6 submitters); PubMed 27500519 (cited by 5 submitters); PubMed 30564623 (cited by Myriad Genetics, Inc.); PubMed 36575883 (cited by Myriad Genetics, Inc.); PubMed 7720071 (cited by 3 submitters); PubMed 9642272 (cited by 5 submitters); PubMed 31069529 (cited by Natera, Inc.).